The following is an entry in ClinVar:

ClinVar aggregate classification (germline): Benign (0 of 4 stars; one submission).

Conditions:
ARFGAP2-related disorder. Also called: ARFGAP2-related condition.

Allele frequency attached by ClinVar (database versions not stated): ExAC 0.00260; gnomAD 0.00757; ESP Exome Variant Server 0.00792; 1000 Genomes Project 0.00839; TOPMed 0.00846; 1000 Genomes Project 30x 0.00906.

Submission:

PreventionGenetics, part of Exact Sciences
Classification: Benign for ARFGAP2-related condition. Last evaluated: 2019-10-28. Review status: no assertion criteria provided. Collection method: clinical testing. Allele origin: germline.
Comment: This variant is classified as benign based on ACMG/AMP sequence variant interpretation guidelines (Richards et al. 2015 PMID: 25741868, with internal and published modifications).

NM_032389.6(ARFGAP2):c.*4G>A

Gene: ARFGAP2 (ARF GTPase activating protein 2; minus strand). Cytogenetic location: 11p11.2.
Variant type: single nucleotide variant.
Coding change: c.*4G>A on transcript NM_032389.6 (MANE Select); 4 bases downstream of the stop codon, G replaced by A.
Molecular consequence: 3 prime UTR variant.
Genome position (GRCh38, 1-based): chr11:47,165,478, C>T on the plus strand (G>A on the coding strand, the complement: ARFGAP2 is on the minus strand). VCF-style: chr11-47165478-C-T. GRCh37 (hg19) VCF-style: chr11-47187029-C-T.
Other names: c.*4G>A (NM_001242832.2, NM_001410995.1).
Identifiers: ClinVar variation 3038983 (VCV003038983.2), dbSNP rs138370539, ClinGen allele CA5971190.